The following is an entry in ClinVar:

NM_003995.4(NPR2):c.2519+3_2519+4insGGACCAAATCCTACCCCAGTG

Gene: NPR2 (natriuretic peptide receptor 2; plus strand). Cytogenetic location: 9p13.3.
Variant type: Insertion.
Coding change: c.2519+3_2519+4insGGACCAAATCCTACCCCAGTG on transcript NM_003995.4 (MANE Select); bases 3 to 4 of the intron after coding-DNA position 2519, GGACCAAATCCTACCCCAGTG inserted.
Molecular consequence: splice donor variant.
Genome position: GRCh38 VCF-style: chr9-35806522-T-TACCAAATCCTACCCCAGTGGG. GRCh37 (hg19) VCF-style: chr9-35806519-T-TACCAAATCCTACCCCAGTGGG.
Other names: c.2528+3_2528+4insGGACCAAATCCTACCCCAGTG (NM_001378923.1).
Identifiers: ClinVar variation 1676827 (VCV001676827.2), dbSNP rs2132092620, ClinGen allele CA2573144537.

ClinVar aggregate classification (germline): Uncertain significance (1 of 4 stars; one submission).

Submission:

MVZ Dr. Eberhard & Partner Dortmund
Classification: Uncertain significance. Last evaluated: 2021-09-09. Review status: criteria provided, single submitter. Criteria: ACMG Guidelines, 2015. Collection method: clinical testing. Allele origin: unknown. Observed: 1 variant allele.
Comment: This insertion of 21 nt has not been reported in literature and is not present in mutation specific databases or in controls from the Exome Sequencing Project, 1000 Genomes Project and the Genome Aggregation Database. The insertion might have an influence on splicing. Some splicing prediction algorithms predict the loss of the canonical donor, while a new predicted donor would be 21 nt downstream but in-frame. This variant is considered to be a variant of uncertain significance according to the ACMG guidelines.